The following is an entry in ClinVar:

NM_015092.5(SMG1):c.7474T>C (p.Leu2492=)

Gene: SMG1 (SMG1 nonsense mediated mRNA decay associated PI3K related kinase; minus strand). Cytogenetic location: 16p12.3.
Variant type: single nucleotide variant.
Coding change: c.7474T>C on transcript NM_015092.5 (MANE Select); coding-DNA position 7474, T replaced by C.
Protein change: p.Leu2492=; no amino-acid change (leucine 2492 retained).
Molecular consequence: synonymous variant.
Genome position (GRCh38, 1-based): chr16:18,837,383, A>G on the plus strand (T>C on the coding strand, the complement: SMG1 is on the minus strand). VCF-style: chr16-18837383-A-G. GRCh37 (hg19) VCF-style: chr16-18848705-A-G.
Other names: c.5584T>C, p.Leu1862= (NM_014006.2).
Identifiers: ClinVar variation 2646270 (VCV002646270.24), dbSNP rs2507338166, ClinGen allele CA493805030.
Genomic context (GRCh38, chr16:18,837,383, plus strand): 5'-GTTTGCCCTGCAGTTTTTCCACATCTGTCAGTTGCTCTTGCAAGCTTAGGTATTCATCTA[A>G]GCTACCGTCCAACTTGGGAAGCACAACCAGCATCTCATCTCTATTCTTAAACCAGTTCAC-3'
Protein context (NP_055907.3, residues 2482-2502): LVVLPKLDGS[Leu2492=]DEYLSLQEQL

ClinVar aggregate classification (germline): Uncertain significance (1 of 4 stars; one submission).

Submission:

CeGaT Center for Human Genetics Tuebingen
Classification: Uncertain significance. Last evaluated: 2022-04-01. Review status: criteria provided, single submitter. Criteria: CeGaT Center For Human Genetics Tuebingen Variant Classification Criteria Version 2. Collection method: clinical testing. Allele origin: germline. Affected: yes. Observed: 1 variant allele.
Comment: SMG1: PM2:Supporting, BP4